The following is an entry in ClinVar:

ClinVar aggregate classification (germline): Conflicting classifications of pathogenicity. Review status: criteria provided, conflicting classifications (1 of 4 stars). 4 submissions from 4 submitters: Uncertain significance (2); Likely benign (1). 1 of the submissions does not count toward it. Last evaluated 2023-12-22.

Conditions:
Inborn genetic diseases. Identifiers: MedGen C0950123, MeSH D030342.
Epidermolysis bullosa dystrophica inversa, autosomal recessive. Identifiers: MedGen C2673612.

Allele frequency attached by ClinVar (database versions not stated): gnomAD 0.00002; gnomAD exomes 0.00003 and 0.00005; TOPMed 0.00004; ExAC 0.00005; ESP Exome Variant Server 0.00015.
gnomAD v4.1: 73 of 1,578,966 alleles (0.0046%); highest among the groups gnomAD compares: African/African-American, 0.0086%; no homozygotes.

Submissions (4):

Ambry Genetics
Classification: Likely benign for Inborn genetic diseases. Last evaluated: 2023-12-22. Review status: criteria provided, single submitter. Criteria: Ambry Variant Classification Scheme 2023. Collection method: clinical testing. Allele origin: germline.

Labcorp Genetics (formerly Invitae), Labcorp
Classification: Uncertain significance. Last evaluated: 2022-04-28. Review status: criteria provided, single submitter. Criteria: Invitae Variant Classification Sherloc (09022015). Collection method: clinical testing. Allele origin: germline.
Comment: This sequence change affects codon 723 of the COL7A1 mRNA. It is a 'silent' change, meaning that it does not change the encoded amino acid sequence of the COL7A1 protein. It affects a nucleotide within the consensus splice site. This variant is present in population databases (rs147643230, gnomAD 0.02%). This variant has not been reported in the literature in individuals affected with COL7A1-related conditions. ClinVar contains an entry for this variant (Variation ID: 990216). Algorithms developed to predict the effect of sequence changes on RNA splicing suggest that this variant is not likely to affect RNA splicing. In summary, the available evidence is currently insufficient to determine the role of this variant in disease. Therefore, it has been classified as a Variant of Uncertain Significance.

Breakthrough Genomics
Classification: Uncertain significance. Review status: criteria provided, single submitter. Criteria: ACMG Guidelines, 2015. Collection method: not provided. Allele origin: germline. Inheritance: Autosomal recessive inheritance. Affected: yes.

Natera, Inc.
Classification: Uncertain significance for Autosomal recessive epidermolysis bullosa dystrophica inversa. Last evaluated: 2020-09-01. Review status: no assertion criteria provided. Collection method: clinical testing. Allele origin: germline. Not counted in ClinVar's aggregate classification.

NM_000094.4(COL7A1):c.2169C>T (p.His723=)

Gene: COL7A1 (collagen type VII alpha 1 chain; minus strand). Cytogenetic location: 3p21.31.
Variant type: single nucleotide variant.
Coding change: c.2169C>T on transcript NM_000094.4 (MANE Select); coding-DNA position 2169, C replaced by T.
Protein change: p.His723=; no amino-acid change (histidine 723 retained).
Molecular consequence: synonymous variant.
Genome position (GRCh38, 1-based): chr3:48,589,600, G>A on the plus strand (C>T on the coding strand, the complement: COL7A1 is on the minus strand). VCF-style: chr3-48589600-G-A. GRCh37 (hg19) VCF-style: chr3-48627033-G-A.
Other names: c.2169C>T (NM_000094.3).
Identifiers: ClinVar variation 990216 (VCV000990216.4), dbSNP rs147643230, ClinGen allele CA2380980.